The following is an entry in ClinVar:

NM_019066.5(MAGEL2):c.1102T>A (p.Trp368Arg)

Gene: MAGEL2 (MAGE family member L2; minus strand). Cytogenetic location: 15q11.2.
Variant type: single nucleotide variant.
Coding change: c.1102T>A on transcript NM_019066.5 (MANE Select); coding-DNA position 1102, T replaced by A.
Protein change: p.Trp368Arg; replaces tryptophan 368 with arginine.
Molecular consequence: missense variant.
Genome position (GRCh38, 1-based): chr15:23,646,641, A>T on the plus strand (T>A on the coding strand, the complement: MAGEL2 is on the minus strand). VCF-style: chr15-23646641-A-T. GRCh37 (hg19) VCF-style: chr15-23891788-A-T.
Other names: short protein forms W368R.
Identifiers: ClinVar variation 3376076 (VCV003376076.1).

ClinVar aggregate classification (germline): Uncertain significance (1 of 4 stars; one submission).

Submission:

GeneDx
Classification: Uncertain significance. Last evaluated: 2024-05-05. Review status: criteria provided, single submitter. Criteria: GeneDx Variant Classification Process June 2021. Collection method: clinical testing. Allele origin: germline. Affected: yes.
Comment: Not observed at significant frequency in large population cohorts (gnomAD); In-silico analysis is inconclusive as to whether the variant impacts protein structure/function. In the absence of functional studies, the actual effect of this sequence change is unknown; Has not been previously published as pathogenic or benign to our knowledge